The following is an entry in ClinVar:

NM_002471.4(MYH6):c.1668C>G (p.Asn556Lys)

Gene: MYH6 (myosin heavy chain 6; minus strand). Cytogenetic location: 14q11.2.
Variant type: single nucleotide variant.
Coding change: c.1668C>G on transcript NM_002471.4 (MANE Select); coding-DNA position 1668, C replaced by G.
Protein change: p.Asn556Lys; replaces asparagine 556 with lysine.
Molecular consequence: missense variant.
Genome position (GRCh38, 1-based): chr14:23,398,951, G>C on the plus strand (C>G on the coding strand, the complement: MYH6 is on the minus strand). VCF-style: chr14-23398951-G-C. GRCh37 (hg19) VCF-style: chr14-23868160-G-C.
Other names: short protein forms N556K.
Identifiers: ClinVar variation 3876442 (VCV003876442.1).

ClinVar aggregate classification (germline): Uncertain significance (1 of 4 stars; one submission).

Conditions:
Cardiovascular phenotype. Identifiers: MedGen CN230736.

gnomAD v4.1: 11 of 1,614,066 alleles (0.00068%); highest among the groups gnomAD compares: African/African-American, 0.0027%; no homozygotes.

Submission:

Ambry Genetics
Classification: Uncertain significance for Cardiovascular phenotype. Last evaluated: 2025-01-13. Review status: criteria provided, single submitter. Criteria: Ambry Variant Classification Scheme 2023. Collection method: clinical testing. Allele origin: germline.
Comment: The p.N556K variant (also known as c.1668C>G), located in coding exon 13 of the MYH6 gene, results from a C to G substitution at nucleotide position 1668. The asparagine at codon 556 is replaced by lysine, an amino acid with similar properties. This amino acid position is conserved. In addition, this alteration is predicted to be tolerated by in silico analysis. Based on the available evidence, the clinical significance of this variant remains unclear.